The following is an entry in ClinVar:

ClinVar aggregate classification (germline): Uncertain significance (1 of 4 stars; one submission).

Conditions:
TTN-related disorder. Also called: TTN-related disorders; TTN-related condition; TTN-related disease.

gnomAD v4.1: 1 of 1,613,258 alleles (0.000062%); highest among the groups gnomAD compares: African/African-American, 0.0013%; no homozygotes.

Submission:

PreventionGenetics, part of Exact Sciences
Classification: Uncertain significance for TTN-related condition. Last evaluated: 2026-08-04. Review status: criteria provided, single submitter. Criteria: ACMG Guidelines, 2015. Collection method: clinical testing. Allele origin: germline.
Comment: The TTN c.59075C>T variant is predicted to result in the amino acid substitution p.Thr19692Ile. To our knowledge, this variant has not been reported in the literature or in a large population database (gnomAD), indicating this variant is rare. At this time, the clinical significance of this variant is uncertain due to the absence of conclusive functional and genetic evidence.

NM_001267550.2(TTN):c.59075C>T (p.Thr19692Ile)

Genes: TTN (titin; minus strand), TTN-AS1 (TTN antisense RNA 1; plus strand). Cytogenetic location: 2q31.2.
Variant type: single nucleotide variant.
Coding change: c.59075C>T on transcript NM_001267550.2 (MANE Select); coding-DNA position 59075, C replaced by T.
Protein change: p.Thr19692Ile; replaces threonine 19692 with isoleucine.
Molecular consequence: missense variant.
Genome position (GRCh38, 1-based): chr2:178,593,044, G>A on the plus strand (C>T on the coding strand, the complement: TTN is on the minus strand). VCF-style: chr2-178593044-G-A. GRCh37 (hg19) VCF-style: chr2-179457771-G-A.
Other names: c.54152C>T, p.Thr18051Ile (NM_001256850.1); c.31880C>T, p.Thr10627Ile (NM_003319.4); c.51371C>T, p.Thr17124Ile (NM_133378.4); c.32255C>T, p.Thr10752Ile (NM_133432.3); c.32456C>T, p.Thr10819Ile (NM_133437.4); short protein forms T10752I, T17124I, T10819I, T18051I, T19692I, T10627I.
Identifiers: ClinVar variation 4998861 (VCV004998861.1).